The following is an entry in ClinVar:

ClinVar aggregate classification (germline): Uncertain significance (1 of 4 stars; one submission).

Conditions:
Nephronophthisis 16 (NPHP16). Identifiers: Orphanet 655, MedGen C3809320, MONDO:0014158, OMIM 615382.

Submission:

Labcorp Genetics (formerly Invitae), Labcorp
Classification: Uncertain significance for Nephronophthisis 16. Last evaluated: 2025-04-17. Review status: criteria provided, single submitter. Criteria: Invitae Variant Classification Sherloc (09022015). Collection method: clinical testing. Allele origin: germline.
Comment: This sequence change replaces asparagine, which is neutral and polar, with lysine, which is basic and polar, at codon 392 of the ANKS6 protein (p.Asn392Lys). This variant is not present in population databases (gnomAD no frequency). This variant has not been reported in the literature in individuals affected with ANKS6-related conditions. ClinVar contains an entry for this variant (Variation ID: 541401). An algorithm developed to predict the effect of missense changes on protein structure and function (PolyPhen-2) suggests that this variant is likely to be disruptive. In summary, the available evidence is currently insufficient to determine the role of this variant in disease. Therefore, it has been classified as a Variant of Uncertain Significance.

NM_173551.5(ANKS6):c.1176T>G (p.Asn392Lys)

Gene: ANKS6 (ankyrin repeat and sterile alpha motif domain containing 6; minus strand). Cytogenetic location: 9q22.33.
Variant type: single nucleotide variant.
Coding change: c.1176T>G on transcript NM_173551.5 (MANE Select); coding-DNA position 1176, T replaced by G.
Protein change: p.Asn392Lys; replaces asparagine 392 with lysine.
Molecular consequence: missense variant.
Genome position (GRCh38, 1-based): chr9:98,782,510, A>C on the plus strand (T>G on the coding strand, the complement: ANKS6 is on the minus strand). VCF-style: chr9-98782510-A-C. GRCh37 (hg19) VCF-style: chr9-101544792-A-C.
Other names: short protein forms N392K.
Identifiers: ClinVar variation 541401 (VCV000541401.8), dbSNP rs776931798, ClinGen allele CA374216409.